The following is an entry in ClinVar:

NM_020297.4(ABCC9):c.4512+782C>G

Genes: ABCC9 (ATP binding cassette subfamily C member 9; minus strand), KCNJ8-AS1 (KCNJ8 antisense RNA 1; plus strand). Cytogenetic location: 12p12.1.
Variant type: single nucleotide variant.
Coding change: c.4512+782C>G on transcript NM_020297.4 (MANE Select); 782 bases into the intron after coding-DNA position 4512, C replaced by G.
Molecular consequence: intron variant. On other transcripts: missense variant (1).
Genome position (GRCh38, 1-based): chr12:21,805,216, G>C on the plus strand (C>G on the coding strand, the complement: ABCC9 is on the minus strand). VCF-style: chr12-21805216-G-C. GRCh37 (hg19) VCF-style: chr12-21958150-G-C.
Other names: c.4608C>G, p.His1536Gln (NM_005691.4); c.3645+782C>G (NM_001377274.1); c.4512+782C>G (NM_001377273.1); short protein forms H1536Q.
Identifiers: ClinVar variation 4772877 (VCV004772877.1).

ClinVar aggregate classification (germline): Uncertain significance (1 of 4 stars; one submission).

Conditions:
Dilated cardiomyopathy 1O (CMD1O). Also called: CARDIOMYOPATHY, DILATED, WITH VENTRICULAR TACHYCARDIA. Identifiers: Orphanet 154, MedGen C1837839, MONDO:0012062, OMIM 608569.

Submission:

Labcorp Genetics (formerly Invitae), Labcorp
Classification: Uncertain significance for Dilated cardiomyopathy 1O. Last evaluated: 2025-11-08. Review status: criteria provided, single submitter. Criteria: Invitae Variant Classification Sherloc (09022015). Collection method: clinical testing. Allele origin: germline.
Comment: This sequence change replaces histidine, which is basic and polar, with glutamine, which is neutral and polar, at codon 1536 of the ABCC9 protein (p.His1536Gln). This variant is not present in population databases (gnomAD no frequency). This variant has not been reported in the literature in individuals affected with ABCC9-related conditions. Invitae Evidence Modeling of protein sequence and biophysical properties (such as structural, functional, and spatial information, amino acid conservation, physicochemical variation, residue mobility, and thermodynamic stability) indicates that this missense variant is not expected to disrupt ABCC9 protein function with a negative predictive value of 95%. In summary, the available evidence is currently insufficient to determine the role of this variant in disease. Therefore, it has been classified as a Variant of Uncertain Significance.